The following is an entry in ClinVar:

ClinVar aggregate classification (germline): Uncertain significance (1 of 4 stars; one submission).

Conditions:
Neurofibromatosis, type 1 (NF1). Also called: NEUROFIBROMATOSIS, TYPE I, SOMATIC; Neurofibromatosis, type I; VON RECKLINGHAUSEN DISEASE; Peripheral type neurofibromatosis. Identifiers: Orphanet 636, MedGen C0027831, MONDO:0018975, OMIM 162200. Disease mechanism: loss of function.

Allele frequency attached by ClinVar (database versions not stated): gnomAD exomes below 0.00001.
gnomAD v4.1: 1 of 1,614,118 alleles (0.000062%); highest among the groups gnomAD compares: Non-Finnish European, 0.000085%; no homozygotes.

Submission:

Labcorp Genetics (formerly Invitae), Labcorp
Classification: Uncertain significance for Neurofibromatosis, type 1. Last evaluated: 2025-07-31. Review status: criteria provided, single submitter. Criteria: Invitae Variant Classification Sherloc (09022015). Collection method: clinical testing. Allele origin: germline.
Comment: This sequence change replaces glycine, which is neutral and non-polar, with arginine, which is basic and polar, at codon 1831 of the NF1 protein (p.Gly1831Arg). This variant is present in population databases (no rsID available, gnomAD 0.0009%). This variant has not been reported in the literature in individuals affected with NF1-related conditions. ClinVar contains an entry for this variant (Variation ID: 1489453). Invitae Evidence Modeling of protein sequence and biophysical properties (such as structural, functional, and spatial information, amino acid conservation, physicochemical variation, residue mobility, and thermodynamic stability) indicates that this missense variant is expected to disrupt NF1 protein function with a positive predictive value of 95%. In summary, the available evidence is currently insufficient to determine the role of this variant in disease. Therefore, it has been classified as a Variant of Uncertain Significance.

NM_001042492.3(NF1):c.5554G>A (p.Gly1852Arg)

Gene: NF1 (neurofibromin 1; plus strand). Cytogenetic location: 17q11.2.
Variant type: single nucleotide variant.
Coding change: c.5554G>A on transcript NM_001042492.3 (MANE Select); coding-DNA position 5554, G replaced by A.
Protein change: p.Gly1852Arg; replaces glycine 1852 with arginine.
Molecular consequence: missense variant.
Genome position (GRCh38, 1-based): chr17:31,327,784, G>A. VCF-style: chr17-31327784-G-A. GRCh37 (hg19) VCF-style: chr17-29654802-G-A.
Other names: c.5491G>A, p.Gly1831Arg (NM_000267.4); short protein forms G1852R, G1831R.
Identifiers: ClinVar variation 1489453 (VCV001489453.8), dbSNP rs1436590774, ClinGen allele CA399009883.
Genomic context (GRCh38, chr17:31,327,784, plus strand): 5'-GAACTGTCACAGCCCGACTCTATCCCCCAACACACCAAGATTCGGCCAAAAGATGTCCCT[G>A]GGACACTGCTCAATATCGCATTACTTAATTTAGGCAGTTCTGACCCGAGTTTACGGTAGG-3'
Protein context (NP_001035957.1, residues 1842-1862): HTKIRPKDVP[Gly1852Arg]TLLNIALLNL